The following is an entry in ClinVar:

NM_005732.4(RAD50):c.2427T>G (p.Ile809Met)

Gene: RAD50 (RAD50 double strand break repair protein; plus strand). Cytogenetic location: 5q31.1.
Variant type: single nucleotide variant.
Coding change: c.2427T>G on transcript NM_005732.4 (MANE Select); coding-DNA position 2427, T replaced by G.
Protein change: p.Ile809Met; replaces isoleucine 809 with methionine.
Molecular consequence: missense variant.
Genome position (GRCh38, 1-based): chr5:132,603,949, T>G. VCF-style: chr5-132603949-T-G. GRCh37 (hg19) VCF-style: chr5-131939641-T-G.
Other names: short protein forms I809M.
Identifiers: ClinVar variation 582551 (VCV000582551.14), dbSNP rs374040636, ClinGen allele CA360955436.

ClinVar aggregate classification (germline): Uncertain significance. Review status: criteria provided, multiple submitters, no conflicts (2 of 4 stars). 2 submissions from 2 submitters: Uncertain significance (2). Last evaluated 2024-07-01.

Conditions:
Hereditary cancer-predisposing syndrome. Also called: Neoplastic Syndromes, Hereditary; Hereditary Cancer Syndrome; Tumor predisposition; Hereditary neoplastic syndrome. Identifiers: Orphanet 140162, MedGen C0027672, MeSH D009386, MONDO:0015356.

Allele frequency attached by ClinVar (database versions not stated): gnomAD 0.00001; TOPMed 0.00003.
gnomAD v4.1: 3 of 1,609,786 alleles (0.00019%); highest among the groups gnomAD compares: Admixed American, 0.0033%; no homozygotes.

Submissions (2):

Ambry Genetics
Classification: Uncertain significance for Hereditary cancer-predisposing syndrome. Last evaluated: 2024-07-01. Review status: criteria provided, single submitter. Criteria: Ambry Variant Classification Scheme 2023. Collection method: clinical testing. Allele origin: germline.
Comment: The p.I809M variant (also known as c.2427T>G), located in coding exon 15 of the RAD50 gene, results from a T to G substitution at nucleotide position 2427. The isoleucine at codon 809 is replaced by methionine, an amino acid with highly similar properties. This amino acid position is highly conserved in available vertebrate species. In addition, the in silico prediction for this alteration is inconclusive. Since supporting evidence is limited at this time, the clinical significance of this alteration remains unclear.

Labcorp Genetics (formerly Invitae), Labcorp
Classification: Uncertain significance for Hereditary cancer-predisposing syndrome. Last evaluated: 2023-10-16. Review status: criteria provided, single submitter. Criteria: Invitae Variant Classification Sherloc (09022015). Collection method: clinical testing. Allele origin: germline.
Comment: This sequence change replaces isoleucine, which is neutral and non-polar, with methionine, which is neutral and non-polar, at codon 809 of the RAD50 protein (p.Ile809Met). This variant is not present in population databases (gnomAD no frequency). This variant has not been reported in the literature in individuals affected with RAD50-related conditions. ClinVar contains an entry for this variant (Variation ID: 582551). Advanced modeling of protein sequence and biophysical properties (such as structural, functional, and spatial information, amino acid conservation, physicochemical variation, residue mobility, and thermodynamic stability) performed at Invitae indicates that this missense variant is expected to disrupt RAD50 protein function. In summary, the available evidence is currently insufficient to determine the role of this variant in disease. Therefore, it has been classified as a Variant of Uncertain Significance.